The following is an entry in ClinVar:

NM_024753.5(TTC21B):c.1592T>C (p.Leu531Pro)

Gene: TTC21B (tetratricopeptide repeat domain 21B; minus strand). Cytogenetic location: 2q24.3.
Variant type: single nucleotide variant.
Coding change: c.1592T>C on transcript NM_024753.5 (MANE Select); coding-DNA position 1592, T replaced by C.
Protein change: p.Leu531Pro; replaces leucine 531 with proline.
Molecular consequence: missense variant.
Genome position (GRCh38, 1-based): chr2:165,919,358, A>G on the plus strand (T>C on the coding strand, the complement: TTC21B is on the minus strand). VCF-style: chr2-165919358-A-G. GRCh37 (hg19) VCF-style: chr2-166775868-A-G.
Other names: short protein forms L531P.
Identifiers: ClinVar variation 4993012 (VCV004993012.1).

ClinVar aggregate classification (germline): Uncertain significance (1 of 4 stars; one submission).

Conditions:
TTC21B-related disorder. Also called: TTC21B-related condition; TTC21B-related disorders.

Submission:

PreventionGenetics, part of Exact Sciences
Classification: Uncertain significance for TTC21B-related condition. Last evaluated: 2025-08-12. Review status: criteria provided, single submitter. Criteria: ACMG Guidelines, 2015. Collection method: clinical testing. Allele origin: germline.
Comment: The TTC21B c.1592T>C variant is predicted to result in the amino acid substitution p.Leu531Pro. To our knowledge, this variant has not been reported in the literature or in a large population database (gnomAD), indicating this variant is rare. At this time, the clinical significance of this variant is uncertain due to the absence of conclusive functional and genetic evidence.